The following is an entry in ClinVar:

ClinVar aggregate classification (germline): Pathogenic. Review status: criteria provided, multiple submitters, no conflicts (2 of 4 stars). 2 submissions from 2 submitters: Pathogenic (2). Last evaluated 2026-08-30.

Conditions:
Spastic paraplegia. Identifiers: MedGen C0037772, HP:0001258.
Charlevoix-Saguenay spastic ataxia (SACS). Also called: SPASTIC ATAXIA 6, AUTOSOMAL RECESSIVE; AUTOSOMAL RECESSIVE SPASTIC ATAXIA OF CHARLEVOIX-SAGUENAY; Spastic ataxia of Charlevoix-Saguenay. Identifiers: Orphanet 98, MedGen C1849140, MONDO:0010041, OMIM 270550.

Submissions (2):

Myriad Genetics, Inc.
Classification: Pathogenic for Charlevoix-Saguenay spastic ataxia. Last evaluated: 2026-08-30. Review status: criteria provided, single submitter. Criteria: Myriad Autosomal Dominant, Autosomal Recessive and X-Linked Classification Criteria (2023). Collection method: clinical testing. Allele origin: unknown.
Comment: NM_014363.4(SACS):c.10497_10500delCCTT(Y3499*) is a nonsense variant classified as pathogenic in the context of autosomal recessive spastic ataxia of Charlevoix-Saguenay. Y3499* has not been observed in cases with relevant disease. Relevant functional assessments of this variant are not available in the literature. Y3499* has not been observed in referenced population frequency databases. In summary, NM_014363.4(SACS):c.10497_10500delCCTT(Y3499*) is a nonsense variant in a gene where loss of function is a known mechanism of disease and is predicted to disrupt protein function. Please note: this variant was assessed in the context of healthy population screening.

Labcorp Genetics (formerly Invitae), Labcorp
Classification: Pathogenic for Spastic paraplegia. Last evaluated: 2021-12-01. Review status: criteria provided, single submitter. Criteria: Invitae Variant Classification Sherloc (09022015). Collection method: clinical testing. Allele origin: germline.
Comment: This sequence change creates a premature translational stop signal (p.Tyr3499*) in the SACS gene. While this is not anticipated to result in nonsense mediated decay, it is expected to disrupt the last 1081 amino acid(s) of the SACS protein. This variant is not present in population databases (gnomAD no frequency). This variant has not been reported in the literature in individuals affected with SACS-related conditions. This variant disrupts a region of the SACS protein in which other variant(s) (p.Tyr4538*) have been determined to be pathogenic (Invitae). This suggests that this is a clinically significant region of the protein, and that variants that disrupt it are likely to be disease-causing. For these reasons, this variant has been classified as Pathogenic.

NM_014363.6(SACS):c.10497_10500del (p.Ile3498_Tyr3499insTer)

Gene: SACS (sacsin molecular chaperone; minus strand). Cytogenetic location: 13q12.12.
Variant type: Deletion.
Coding change: c.10497_10500del on transcript NM_014363.6 (MANE Select); coding-DNA positions 10497 to 10500, 4 bases deleted (CCTT; older notation c.10497_10500delCCTT).
Protein change: p.Ile3498_Tyr3499insTer.
Molecular consequence: nonsense.
Genome position (GRCh38, 1-based): chr13:23,333,376-23,333,379, AAGG deleted on the plus strand (CCTT on the coding strand, the reverse complement: SACS is on the minus strand). VCF-style (leftmost placement, unchanged base first): chr13-23333375-TAAGG-T. GRCh37 (hg19) VCF-style: chr13-23907514-TAAGG-T.
Other names: c.10056_10059del, p.Ile3351_Tyr3352insTer (NM_001278055.2).
Identifiers: ClinVar variation 1359792 (VCV001359792.7), dbSNP rs2137574344, ClinGen allele CA2573149135.